The following is an entry in ClinVar:

NM_000350.3(ABCA4):c.2941C>G (p.Pro981Ala)

Gene: ABCA4 (ATP binding cassette subfamily A member 4; minus strand). Cytogenetic location: 1p22.1.
Variant type: single nucleotide variant.
Coding change: c.2941C>G on transcript NM_000350.3 (MANE Select); coding-DNA position 2941, C replaced by G.
Protein change: p.Pro981Ala; replaces proline 981 with alanine.
Molecular consequence: missense variant.
Genome position (GRCh38, 1-based): chr1:94,044,722, G>C on the plus strand (C>G on the coding strand, the complement: ABCA4 is on the minus strand). VCF-style: chr1-94044722-G-C. GRCh37 (hg19) VCF-style: chr1-94510278-G-C.
Other names: c.2719C>G, p.Pro907Ala (NM_001425324.1); short protein forms P981A, P907A.
Identifiers: ClinVar variation 2041980 (VCV002041980.4), dbSNP rs2523780315, ClinGen allele CA341275234.

ClinVar aggregate classification (germline): Likely pathogenic (1 of 4 stars; one submission).

Allele frequency attached by ClinVar (database versions not stated): gnomAD exomes below 0.00001.
gnomAD v4.1: 2 of 1,614,166 alleles (0.00012%); highest among the groups gnomAD compares: Non-Finnish European, 0.00017%; no homozygotes.

Submission:

Labcorp Genetics (formerly Invitae), Labcorp
Classification: Likely pathogenic. Last evaluated: 2022-07-19. Review status: criteria provided, single submitter. Criteria: Invitae Variant Classification Sherloc (09022015). Collection method: clinical testing. Allele origin: germline.
Comment: In summary, the currently available evidence indicates that the variant is pathogenic, but additional data are needed to prove that conclusively. Therefore, this variant has been classified as Likely Pathogenic. This variant disrupts the p.Pro981 amino acid residue in ABCA4. Other variant(s) that disrupt this residue have been determined to be pathogenic (PMID: 29925512). This suggests that this residue is clinically significant, and that variants that disrupt this residue are likely to be disease-causing. Advanced modeling of protein sequence and biophysical properties (such as structural, functional, and spatial information, amino acid conservation, physicochemical variation, residue mobility, and thermodynamic stability) performed at Invitae indicates that this missense variant is expected to disrupt ABCA4 protein function. This variant has not been reported in the literature in individuals affected with ABCA4-related conditions. This variant is not present in population databases (gnomAD no frequency). This sequence change replaces proline, which is neutral and non-polar, with alanine, which is neutral and non-polar, at codon 981 of the ABCA4 protein (p.Pro981Ala).

Literature cited by the submitters: PubMed 29925512.